The following is an entry in ClinVar:

NM_004982.4(KCNJ8):c.286T>G (p.Phe96Val)

Genes: KCNJ8 (potassium inwardly rectifying channel subfamily J member 8; minus strand), KCNJ8-AS1 (KCNJ8 antisense RNA 1; plus strand). Cytogenetic location: 12p12.1.
Variant type: single nucleotide variant.
Coding change: c.286T>G on transcript NM_004982.4 (MANE Select); coding-DNA position 286, T replaced by G.
Protein change: p.Phe96Val; replaces phenylalanine 96 with valine.
Molecular consequence: missense variant.
Genome position (GRCh38, 1-based): chr12:21,773,331, A>C on the plus strand (T>G on the coding strand, the complement: KCNJ8 is on the minus strand). VCF-style: chr12-21773331-A-C. GRCh37 (hg19) VCF-style: chr12-21926265-A-C.
Other names: short protein forms F96V.
Identifiers: ClinVar variation 4041684 (VCV004041684.1).

ClinVar aggregate classification (germline): Uncertain significance (1 of 4 stars; one submission).

Conditions:
Cardiovascular phenotype. Identifiers: MedGen CN230736.

gnomAD v4.1: 50 of 1,614,096 alleles (0.0031%); highest among the groups gnomAD compares: Non-Finnish European, 0.0042%; no homozygotes.

Submission:

Ambry Genetics
Classification: Uncertain significance for Cardiovascular phenotype. Last evaluated: 2025-06-01. Review status: criteria provided, single submitter. Criteria: Ambry Variant Classification Scheme 2023. Collection method: clinical testing. Allele origin: germline.
Comment: The p.F96V variant (also known as c.286T>G), located in coding exon 1 of the KCNJ8 gene, results from a T to G substitution at nucleotide position 286. The phenylalanine at codon 96 is replaced by valine, an amino acid with highly similar properties. This amino acid position is conserved. In addition, this alteration is predicted to be deleterious by in silico analysis. Based on the available evidence, the clinical significance of this variant remains unclear.